The following is an entry in ClinVar:

NM_033427.3(CTTNBP2):c.4056-5G>T

Gene: CTTNBP2 (cortactin binding protein 2; minus strand). Cytogenetic location: 7q31.31.
Variant type: single nucleotide variant.
Coding change: c.4056-5G>T on transcript NM_033427.3 (MANE Select); 5 bases into the intron before coding-DNA position 4056, G replaced by T.
Molecular consequence: intron variant.
Genome position (GRCh38, 1-based): chr7:117,725,262, C>A on the plus strand (G>T on the coding strand, the complement: CTTNBP2 is on the minus strand). VCF-style: chr7-117725262-C-A. GRCh37 (hg19) VCF-style: chr7-117365316-C-A.
Other names: c.1959-5G>T (NM_001363351.1, NM_001363350.1); c.4002-5G>T (NM_001363349.1).
Identifiers: ClinVar variation 2657964 (VCV002657964.24), dbSNP rs200533770, ClinGen allele CA4451990.
Genomic context (GRCh38, chr7:117,725,262, plus strand): 5'-ATATTGCTTCTTGAACTCTGGGTGCGATGACGCCATTCCACAGCTTAGACATCCACCTAG[C>A]AGGAGAGGGACCGATTCATCCCTTAGGAGCAGGCTTCTCAATAATTATACACAATTCCGT-3'

ClinVar aggregate classification (germline): Likely benign (1 of 4 stars; one submission).

Allele frequency attached by ClinVar (database versions not stated): ESP Exome Variant Server 0.00023; gnomAD exomes 0.00033; gnomAD 0.00037; TOPMed 0.00037; ExAC 0.00043.
gnomAD v4.1: 580 of 1,613,588 alleles (0.036%); highest among the groups gnomAD compares: Middle Eastern, 0.017%; 1 homozygote.

Submission:

CeGaT Center for Human Genetics Tuebingen
Classification: Likely benign. Last evaluated: 2022-09-01. Review status: criteria provided, single submitter. Criteria: CeGaT Center For Human Genetics Tuebingen Variant Classification Criteria Version 2. Collection method: clinical testing. Allele origin: germline. Affected: yes. Observed: 1 variant allele.
Comment: CTTNBP2: BP4, BS1